The following is an entry in ClinVar:

ClinVar aggregate classification (germline): Uncertain significance (1 of 4 stars; one submission).

Submission:

Labcorp Genetics (formerly Invitae), Labcorp
Classification: Uncertain significance. Last evaluated: 2022-08-19. Review status: criteria provided, single submitter. Criteria: Invitae Variant Classification Sherloc (09022015). Collection method: clinical testing. Allele origin: germline.
Comment: This sequence change replaces alanine, which is neutral and non-polar, with threonine, which is neutral and polar, at codon 2277 of the NBAS protein (p.Ala2277Thr). This variant is not present in population databases (gnomAD no frequency). This variant has not been reported in the literature in individuals affected with NBAS-related conditions. Algorithms developed to predict the effect of missense changes on protein structure and function output the following: SIFT: "Deleterious"; PolyPhen-2: "Benign"; Align-GVGD: "Class C55". The threonine amino acid residue is found in multiple mammalian species, which suggests that this missense change does not adversely affect protein function. In summary, the available evidence is currently insufficient to determine the role of this variant in disease. Therefore, it has been classified as a Variant of Uncertain Significance.

NM_015909.4(NBAS):c.6829G>A (p.Ala2277Thr)

Gene: NBAS (NBAS subunit of NRZ tethering complex; minus strand). Cytogenetic location: 2p24.3.
Variant type: single nucleotide variant.
Coding change: c.6829G>A on transcript NM_015909.4 (MANE Select); coding-DNA position 6829, G replaced by A.
Protein change: p.Ala2277Thr; replaces alanine 2277 with threonine.
Molecular consequence: missense variant. On other transcripts: non-coding transcript variant (1).
Genome position (GRCh38, 1-based): chr2:15,178,999, C>T on the plus strand (G>A on the coding strand, the complement: NBAS is on the minus strand). VCF-style: chr2-15178999-C-T. GRCh37 (hg19) VCF-style: chr2-15319123-C-T.
Other names: short protein forms A2277T.
Identifiers: ClinVar variation 1951722 (VCV001951722.2), dbSNP rs2527968547, ClinGen allele CA345915154.